The following is an entry in ClinVar:

NM_001378969.1(KCND3):c.38G>A (p.Arg13Gln)

Gene: KCND3 (potassium voltage-gated channel subfamily D member 3; minus strand). Cytogenetic location: 1p13.2.
Variant type: single nucleotide variant.
Coding change: c.38G>A on transcript NM_001378969.1 (MANE Select); coding-DNA position 38, G replaced by A.
Protein change: p.Arg13Gln; replaces arginine 13 with glutamine.
Molecular consequence: missense variant.
Genome position (GRCh38, 1-based): chr1:111,982,689, C>T on the plus strand (G>A on the coding strand, the complement: KCND3 is on the minus strand). VCF-style: chr1-111982689-C-T. GRCh37 (hg19) VCF-style: chr1-112525311-C-T.
Other names: c.38G>A, p.Arg13Gln (NM_001378970.1, NM_004980.5, NM_172198.3); short protein forms R13Q.
Identifiers: ClinVar variation 518761 (VCV000518761.7), dbSNP rs1339082402, ClinGen allele CA341823048.
Genomic context (GRCh38, chr1:111,982,689, plus strand): 5'-TCGGCCGGGGCCAGGGGCATGGGGCAGTTGGCCACCGGCATCCACCCGATGGCCGCAGCC[C>T]GGGCAAAAGGCAGCCAGGCCGCAACTCCGGCCGCCATGGTGACTCCAGCTCTTGGGCCGG-3'
Protein context (NP_001365898.1, residues 3-23): AGVAAWLPFA[Arg13Gln]AAAIGWMPVA

ClinVar aggregate classification (germline): Uncertain significance. Review status: criteria provided, multiple submitters, no conflicts (2 of 4 stars). 2 submissions from 2 submitters: Uncertain significance (2). Last evaluated 2024-07-25.

Conditions:
Cardiovascular phenotype. Identifiers: MedGen CN230736.
Spinocerebellar ataxia type 19/22 (SCA19). Also called: SPINOCEREBELLAR ATAXIA 19; SPINOCEREBELLAR ATAXIA 22. Identifiers: Orphanet 98772, MedGen C1846367, MONDO:0011819, OMIM 607346.

Allele frequency attached by ClinVar (database versions not stated): gnomAD exomes below 0.00001 and 0.00001; gnomAD 0.00001; TOPMed 0.00001.
gnomAD v4.1: 12 of 1,609,104 alleles (0.00075%); highest among the groups gnomAD compares: Admixed American, 0.0017%; no homozygotes.

Submissions (2):

Labcorp Genetics (formerly Invitae), Labcorp
Classification: Uncertain significance for Spinocerebellar ataxia type 19/22. Last evaluated: 2024-07-25. Review status: criteria provided, single submitter. Criteria: Invitae Variant Classification Sherloc (09022015). Collection method: clinical testing. Allele origin: germline.
Comment: This sequence change replaces arginine, which is basic and polar, with glutamine, which is neutral and polar, at codon 13 of the KCND3 protein (p.Arg13Gln). The frequency data for this variant in the population databases is considered unreliable, as metrics indicate poor data quality at this position in the gnomAD database. This variant has not been reported in the literature in individuals affected with KCND3-related conditions. ClinVar contains an entry for this variant (Variation ID: 518761). Advanced modeling of protein sequence and biophysical properties (such as structural, functional, and spatial information, amino acid conservation, physicochemical variation, residue mobility, and thermodynamic stability) performed at Invitae indicates that this missense variant is not expected to disrupt KCND3 protein function with a negative predictive value of 80%. In summary, the available evidence is currently insufficient to determine the role of this variant in disease. Therefore, it has been classified as a Variant of Uncertain Significance.

Ambry Genetics
Classification: Uncertain significance for Cardiovascular phenotype. Last evaluated: 2017-12-12. Review status: criteria provided, single submitter. Criteria: Ambry Variant Classification Scheme 2023. Collection method: clinical testing. Allele origin: germline.
Comment: The p.R13Q variant (also known as c.38G>A), located in coding exon 1 of the KCND3 gene, results from a G to A substitution at nucleotide position 38. The arginine at codon 13 is replaced by glutamine, an amino acid with highly similar properties. This amino acid position is highly conserved in available vertebrate species. In addition, the in silico prediction for this alteration is inconclusive. Since supporting evidence is limited at this time, the clinical significance of this alteration remains unclear.